The following is an entry in ClinVar:

NM_000018.4(ACADVL):c.1657A>C (p.Lys553Gln)

Gene: ACADVL (acyl-CoA dehydrogenase very long chain; plus strand). Cytogenetic location: 17p13.1.
Variant type: single nucleotide variant.
Coding change: c.1657A>C on transcript NM_000018.4 (MANE Select); coding-DNA position 1657, A replaced by C.
Protein change: p.Lys553Gln; replaces lysine 553 with glutamine.
Molecular consequence: missense variant.
Genome position (GRCh38, 1-based): chr17:7,224,531, A>C. VCF-style: chr17-7224531-A-C. GRCh37 (hg19) VCF-style: chr17-7127850-A-C.
Other names: c.1591A>C, p.Lys531Gln (NM_001033859.3); c.1726A>C, p.Lys576Gln (NM_001270447.2); c.1429A>C, p.Lys477Gln (NM_001270448.2); short protein forms K553Q, K477Q, K531Q, K576Q.
Identifiers: ClinVar variation 474891 (VCV000474891.7), dbSNP rs1555528957, ClinGen allele CA397725580.

ClinVar aggregate classification (germline): Uncertain significance. Review status: criteria provided, single submitter (1 of 4 stars). 2 submissions from 2 submitters: Uncertain significance (1). 1 of the submissions does not count toward it. Last evaluated 2021-08-28.

Conditions:
Very long chain acyl-CoA dehydrogenase deficiency (ACADVLD). Also called: VLCAD Deficiency; Very Long-Chain Acyl-Coenzyme A Dehydrogenase Deficiency. Identifiers: Orphanet 26793, MedGen C3887523, MONDO:0008723, OMIM 201475.

Submissions (2):

Labcorp Genetics (formerly Invitae), Labcorp
Classification: Uncertain significance for Very long chain acyl-CoA dehydrogenase deficiency. Last evaluated: 2021-08-28. Review status: criteria provided, single submitter. Criteria: Invitae Variant Classification Sherloc (09022015). Collection method: clinical testing. Allele origin: germline.
Comment: This sequence change replaces lysine with glutamine at codon 553 of the ACADVL protein (p.Lys553Gln). The lysine residue is highly conserved and there is a small physicochemical difference between lysine and glutamine. This variant is not present in population databases (ExAC no frequency). This variant has not been reported in the literature in individuals affected with ACADVL-related conditions. Algorithms developed to predict the effect of missense changes on protein structure and function are either unavailable or do not agree on the potential impact of this missense change (SIFT: "Deleterious"; PolyPhen-2: "Benign"; Align-GVGD: "Class C0"). In summary, the available evidence is currently insufficient to determine the role of this variant in disease. Therefore, it has been classified as a Variant of Uncertain Significance.

Natera, Inc.
Classification: Uncertain significance for Very long chain acyl-CoA dehydrogenase deficiency. Last evaluated: 2025-02-28. Review status: no assertion criteria provided. Collection method: clinical testing. Allele origin: germline. Not counted in ClinVar's aggregate classification.